The following is an entry in ClinVar:

ClinVar aggregate classification (germline): Uncertain significance (1 of 4 stars; one submission).

Conditions:
Epidermolysis bullosa simplex with nail dystrophy (EBS5D). Identifiers: MedGen C4225309, MONDO:0014661, OMIM 616487.
Epidermolysis bullosa simplex 5C, with pyloric atresia (EBS5C). Also called: PLEC-Related Epidermolysis Bullosa with Pyloric Atresia; Epidermolysis bullosa simplex with pyloric atresia; PLEC1-Related Epidermolysis Bullosa with Pyloric Atresia. Identifiers: Orphanet 158684, MedGen C2677349, MONDO:0012807, OMIM 612138.
Autosomal recessive limb-girdle muscular dystrophy type 2Q (LGMDR17). Also called: MUSCULAR DYSTROPHY, LIMB-GIRDLE, AUTOSOMAL RECESSIVE 17. Identifiers: Orphanet 254361, MedGen C3150989, MONDO:0013390, OMIM 613723.
Epidermolysis bullosa simplex, Ogna type (EBS5A). Also called: Pidermolysis bullosa simplex 5A, Ogna type; EPIDERMOLYSIS BULLOSA SIMPLEX 5A, OGNA TYPE. Identifiers: Orphanet 79401, MedGen C0432317, MONDO:0007555, OMIM 131950.
Epidermolysis bullosa simplex 5B, with muscular dystrophy (EBS5B). Also called: EPIDERMOLYSIS BULLOSA SIMPLEX AND LIMB-GIRDLE MUSCULAR DYSTROPHY; Epidermolysis bullosa simplex with muscular dystrophy. Identifiers: Orphanet 257, MedGen C2931072, MONDO:0009181, OMIM 226670.

Allele frequency attached by ClinVar (database versions not stated): gnomAD exomes 0.00001.
gnomAD v4.1: 8 of 1,595,936 alleles (0.0005%); highest among the groups gnomAD compares: Non-Finnish European, 0.00068%; no homozygotes.

Submission:

Labcorp Genetics (formerly Invitae), Labcorp
Classification: Uncertain significance for Autosomal recessive limb-girdle muscular dystrophy type 2Q; Epidermolysis bullosa simplex, Ogna type; Epidermolysis bullosa simplex with nail dystrophy; Epidermolysis bullosa simplex 5C, with pyloric atresia; Epidermolysis bullosa simplex 5B, with muscular dystrophy. Last evaluated: 2023-07-06. Review status: criteria provided, single submitter. Criteria: Invitae Variant Classification Sherloc (09022015). Collection method: clinical testing. Allele origin: germline.
Comment: This sequence change replaces glutamic acid, which is acidic and polar, with glutamine, which is neutral and polar, at codon 2623 of the PLEC protein (p.Glu2623Gln). This variant is not present in population databases (gnomAD no frequency). This variant has not been reported in the literature in individuals affected with PLEC-related conditions. Advanced modeling of protein sequence and biophysical properties (such as structural, functional, and spatial information, amino acid conservation, physicochemical variation, residue mobility, and thermodynamic stability) performed at Invitae indicates that this missense variant is not expected to disrupt PLEC protein function. In summary, the available evidence is currently insufficient to determine the role of this variant in disease. Therefore, it has been classified as a Variant of Uncertain Significance.

NM_201384.3(PLEC):c.7786G>C (p.Glu2596Gln)

Gene: PLEC (plectin; minus strand). Cytogenetic location: 8q24.3.
Variant type: single nucleotide variant.
Coding change: c.7786G>C on transcript NM_201384.3 (MANE Select); coding-DNA position 7786, G replaced by C.
Protein change: p.Glu2596Gln; replaces glutamic acid 2596 with glutamine.
Molecular consequence: missense variant.
Genome position (GRCh38, 1-based): chr8:143,922,035, C>G on the plus strand (G>C on the coding strand, the complement: PLEC is on the minus strand). VCF-style: chr8-143922035-C-G. GRCh37 (hg19) VCF-style: chr8-144996203-C-G.
Other names: c.4486G>C, p.Glu1496Gln (NM_001410941.1); c.7744G>C, p.Glu2582Gln (NM_201378.4); c.7720G>C, p.Glu2574Gln (NM_201379.3); c.8197G>C, p.Glu2733Gln (NM_201380.4); c.7690G>C, p.Glu2564Gln (NM_201381.3); c.7786G>C, p.Glu2596Gln (NM_201382.4); c.7798G>C, p.Glu2600Gln (NM_201383.3); c.7867G>C, p.Glu2623Gln (NM_000445.5); short protein forms E2564Q, E2582Q, E2600Q, E2623Q, E2733Q, E1496Q, E2574Q, E2596Q.
Identifiers: ClinVar variation 2934688 (VCV002934688.3), dbSNP rs1822965475, ClinGen allele CA372522149.